The following continues an entry in ClinVar:

NM_000053.4(ATP7B):c.2972C>T (p.Thr991Met)

Gene: ATP7B. ClinVar aggregate classification (germline): Conflicting classifications of pathogenicity. Pathogenic (1); Likely pathogenic (6); Uncertain significance (16).

Submissions 10 to 21 of 24:

Women's Health and Genetics/Laboratory Corporation of America, LabCorp
Classification: Likely pathogenic for Wilson disease. Last evaluated: 2025-08-11. Review status: criteria provided, single submitter. Criteria: LabCorp Variant Classification Summary - May 2015. Collection method: clinical testing. Allele origin: germline.
Comment: Variant summary: ATP7B c.2972C>T (p.Thr991Met) results in a non-conservative amino acid change located in the Transmembrane 6 domain of the encoded protein sequence. Algorithms developed to predict the effect of missense changes on protein structure and function all suggest that this variant is likely to be disruptive and consistent with several publications reporting computational predictions of pathogenicity (Schushan_2012, Khurana_2015, Squitti_2014). The variant allele was found at a frequency of 0.0012 in 250871 control chromosomes, predominantly at a frequency of 0.0024 within the Non-Finnish European subpopulation in the gnomAD database. This frequency is not significantly higher than estimated for a pathogenic variant in ATP7B causing Wilson Disease (0.0012 vs 0.0054), allowing no conclusion about variant significance. c.2972C>T has been observed in individuals affected with Wilson Disease (Lepori_2007, Cox_2005, internal data). These data indicate that the variant is likely to be associated with disease. The variant has been reported as a homozygote in a fetus with prenatal diagnosis of arthrogryposis and a diagnosis not compatible with Wilson Disease (Drury_2015). In addition, it has also been observed as a heterozygote or unspecified zygosity in two other individuals. One affected with ataxia and normal levels of copper/cerulloplasmin (heterozygote with a non-specific genotype) and the other with schizophrenia (unspecified zygosity), (Sriretnakumar_2019, Marelli_2016). At least one publication reports experimental evidence evaluating an impact on protein function. The most pronounced variant effect results in a mild/intermediate deficit when assessing the ability to complement ccc2, the yeast copper-transporting orthologue of ATP7B, function under low iron conditions at 30 degree C and 37 degree C (Luoma_2010). The following publications have been ascertained in the context of this evaluation (PMID: 23518715, 16088907, 26275891, 36672771, 37937776, 26206375, 17949296, 23235335, 20333758, 31738409, 27528516, 33258288, 22692182, 31059521, 24253677, 30556376, 32248359). ClinVar contains an entry for this variant (Variation ID: 35712). Based on the evidence outlined above, the variant was classified as likely pathogenic.

Color Diagnostics, LLC DBA Color Health
Classification: Uncertain significance for Wilson disease. Last evaluated: 2025-06-05. Review status: criteria provided, single submitter. Criteria: ACMG Guidelines, 2015. Collection method: clinical testing. Allele origin: germline.
Comment: This missense variant replaces threonine with methionine at codon 991 of the ATP7B protein. Computational prediction suggests that this variant may have deleterious impact on protein structure and function. A Functional study has shown that this variant causes a partial loss of protein function (PMID: 20333758). This variant has been reported in individuals affected with Wilson disease (PMID: 16088907, 17949296, 23518715, 27528516, 33258288, 31738409). This variant occurs at an elevated allele frequency in the general population and has been identified in 352/279976 chromosomes (312/128176 Non-Finnish European chromosomes, 0.2434%) by the Genome Aggregation Database (gnomAD). The available evidence is insufficient to determine the role of this variant in disease conclusively. Therefore, this variant is classified as a Variant of Uncertain Significance.

ARUP Laboratories, Molecular Genetics and Genomics, ARUP Laboratories
Classification: Uncertain significance for Wilson disease. Last evaluated: 2025-03-27. Review status: criteria provided, single submitter. Criteria: ARUP Molecular Germline Variant Investigation Process 2024. Collection method: clinical testing. Allele origin: germline.
Comment: The ATP7B c.2972C>T; p.Thr991Met variant (rs41292782) has been described in two patients with Wilson disease (Cox 2005), and has been implicated as having a mild effect on protein function in a model system (Luoma 2010). This variant has also been described homozygously in a prenatal sample with arthrogryposis (Drury 2015). This variant is reported in ClinVar (Variation ID: 35712) and is found in the non-Finnish European population with an allele frequency of 0.24% (312/128176 alleles, including 1 homozygote) in the Genome Aggregation Database. The threonine at codon 991 is highly conserved, and computational analyses predict that this variant is deleterious (REVEL: 0.927). However, due to limited information, the clinical significance of the p.Thr991Met variant is uncertain at this time. References: Cox DW et al. Twenty-four novel mutations in Wilson disease patients of predominantly European ancestry. Hum Mutat. 2005 26(3):280. PMID: 16088907. Drury S et al. Exome sequencing for prenatal diagnosis of fetuses with sonographic abnormalities. Prenat Diagn. 2015 Oct;35(10):1010-7. PMID: 26275891. Luoma LM et al. Functional analysis of mutations in the ATP loop of the Wilson disease copper transporter, ATP7B. Hum Mutat. 2010 31(5):569-77. PMID: 20333758.

Blueprint Genetics
Classification: Uncertain significance. Last evaluated: 2024-11-25. Review status: criteria provided, single submitter. Criteria: ACMG Guidelines, 2015. Collection method: clinical testing. Allele origin: germline.

Victorian Clinical Genetics Services, Murdoch Childrens Research Institute
Classification: Uncertain significance for Wilson disease. Last evaluated: 2024-11-01. Review status: criteria provided, single submitter. Criteria: ACMG Guidelines, 2015. Collection method: clinical testing. Allele origin: germline. Affected: no.
Comment: This variant is classified as VUS-3B. Evidence in support of pathogenic classification: Variant is present in gnomAD <0.01 for a recessive condition (v4: 5165 heterozygote(s), 12 homozygote(s)); This variant has moderate functional evidence supporting abnormal protein function. When transfected into yeast cells, this variant was shown to be a mild variant likely to contribute to Wilson disease (PMID: 20333758); Missense variant consistently predicted to be damaging by an in silico tool or highly conserved with a major amino acid change. Additional information: Variant is predicted to result in a missense amino acid change from threonine to methionine; This variant is heterozygous; This gene is associated with autosomal recessive disease; Previous evidence of pathogenicity for this variant is inconclusive. This variant has been classified by multiple clinical laboratories as a VUS, as well as likely pathogenic and pathogenic (ClinVar). In addition, this variant has been reported in Wilson disease patients, although the presence of a second disease-causing variant could not be conclusively determined (PMID: 16088907, 17949296, 23518715). Homozygosity of this variant was also identified in a fetus with arthrogryposis, which is inconsistent with Wilson Disease (PMID: 26275891); Variant is located in the annotated E1-E2 ATPase domain (DECIPHER); Loss of function is a known mechanism of disease in this gene and is associated with Wilson disease (MIM#277900).

All of Us Research Program, National Institutes of Health
Classification: Uncertain significance for Wilson disease. Last evaluated: 2024-09-23. Review status: criteria provided, single submitter. Criteria: ACMG Guidelines, 2015. Collection method: clinical testing. Allele origin: germline. Inheritance: Autosomal recessive inheritance. Observed: 640 variant alleles, 638 heterozygotes, 2 homozygotes.
Comment: This missense variant replaces threonine with methionine at codon 991 of the ATP7B protein. Computational prediction suggests that this variant may have deleterious impact on protein structure and function (internally defined REVEL score threshold >= 0.7, PMID: 27666373). Functional studies have shown that this variant does not affect protein expression but partially disrupts complementation in a yeast assay (PMID: 20333758). This variant has been reported in individuals affected with Wilson disease (PMID: 16088907, 17949296, 23518715, 27528516, 33258288, 31738409) and in one individual affected with schizophrenia (PMID: 30556376). This variant has been identified in 352/279976 chromosomes in the general population by the Genome Aggregation Database (gnomAD). The available evidence is insufficient to determine the role of this variant in disease conclusively. Therefore, this variant is classified as a Variant of Uncertain Significance.

This study involves interpretation of variants in research participants for the purpose of population health screening. Participant phenotype was not available at the time of variant classification. Additional details can be found in publication PMID: 35346344, PMCID: PMC8962531

Fulgent Genetics
Classification: Uncertain significance for Wilson disease. Last evaluated: 2024-06-23. Review status: criteria provided, single submitter. Criteria: ACMG Guidelines, 2015. Collection method: clinical testing. Allele origin: germline.

Genetics and Molecular Pathology, SA Pathology
Classification: Uncertain significance for Wilson disease. Last evaluated: 2021-10-12. Review status: criteria provided, single submitter. Criteria: ACMG Guidelines, 2015. Collection method: clinical testing. Allele origin: germline. Inheritance: Autosomal recessive inheritance. Affected: no.
Comment: The ATP7B c.2972C>T variant is classified as VUS (PS3_Supporting, PM2, PP3)

Genome-Nilou Lab
Classification: Likely pathogenic for Wilson disease. Last evaluated: 2021-08-10. Review status: criteria provided, single submitter. Criteria: ACMG Guidelines, 2015. Collection method: clinical testing. Allele origin: germline. Affected: no.

Ambry Genetics
Classification: Uncertain significance for Inborn genetic diseases. Last evaluated: 2020-12-07. Review status: criteria provided, single submitter. Criteria: Ambry Variant Classification Scheme 2023. Collection method: clinical testing. Allele origin: germline.
Comment: The c.2972C>T (p.T991M) alteration is located in exon 13 (coding exon 13) of the ATP7B gene. This alteration results from a C to T substitution at nucleotide position 2972, causing the threonine (T) at amino acid position 991 to be replaced by a methionine (M). The p.T991M alteration is predicted to be deleterious by in silico analysis. Based on insufficient or conflicting evidence, the clinical significance of this alteration remains unclear.

Illumina Laboratory Services, Illumina
Classification: Uncertain significance for Wilson disease. Last evaluated: 2018-07-09. Review status: criteria provided, single submitter. Criteria: ICSL Variant Classification Criteria 13 December 2019. Collection method: clinical testing. Allele origin: germline.

Center for Pediatric Genomic Medicine, Children's Mercy Hospital and Clinics
Classification: Uncertain significance. Last evaluated: 2016-12-12. Review status: criteria provided, single submitter. Criteria: ACMG Guidelines, 2015. Collection method: clinical testing. Allele origin: germline.
ClinVar note: Converted during submission from Uncertain Significance to Uncertain significance.